The following is an entry in ClinVar:

ClinVar aggregate classification (germline): Uncertain significance (1 of 4 stars; one submission).

Conditions:
TTC21B-related disorder. Also called: TTC21B-related disorders; TTC21B-related condition.

gnomAD v4.1: 2 of 1,613,604 alleles (0.00012%); highest among the groups gnomAD compares: Admixed American, 0.0017%; no homozygotes.

Submission:

PreventionGenetics, part of Exact Sciences
Classification: Uncertain significance for TTC21B-related condition. Last evaluated: 2025-07-23. Review status: criteria provided, single submitter. Criteria: ACMG Guidelines, 2015. Collection method: clinical testing. Allele origin: germline.
Comment: The TTC21B c.3195G>C variant is predicted to result in the amino acid substitution p.Glu1065Asp. To our knowledge, this variant has not been reported in the literature or in a large population database (gnomAD), indicating this variant is rare. At this time, the clinical significance of this variant is uncertain due to the absence of conclusive functional and genetic evidence.

NM_024753.5(TTC21B):c.3195G>C (p.Glu1065Asp)

Gene: TTC21B (tetratricopeptide repeat domain 21B; minus strand). Cytogenetic location: 2q24.3.
Variant type: single nucleotide variant.
Coding change: c.3195G>C on transcript NM_024753.5 (MANE Select); coding-DNA position 3195, G replaced by C.
Protein change: p.Glu1065Asp; replaces glutamic acid 1065 with aspartic acid.
Molecular consequence: missense variant.
Genome position (GRCh38, 1-based): chr2:165,890,547, C>G on the plus strand (G>C on the coding strand, the complement: TTC21B is on the minus strand). VCF-style: chr2-165890547-C-G. GRCh37 (hg19) VCF-style: chr2-166747057-C-G.
Other names: short protein forms E1065D.
Identifiers: ClinVar variation 4997331 (VCV004997331.1).